The following is an entry in ClinVar:

ClinVar aggregate classification (germline): Likely benign (1 of 4 stars; one submission).

gnomAD v4.1: 8 of 1,613,138 alleles (0.0005%); highest among the groups gnomAD compares: Admixed American, 0.012%; no homozygotes.

Submission:

Mayo Clinic Laboratories, Mayo Clinic
Classification: Likely benign. Last evaluated: 2025-05-07. Review status: criteria provided, single submitter. Criteria: ACMG Guidelines, 2015. Collection method: clinical testing. Allele origin: germline. Observed: 1 variant allele.
Comment: BP4, BP7

NM_001365276.2(TNXB):c.8064A>G (p.Pro2688=)

Gene: TNXB (tenascin XB; minus strand). Cytogenetic location: 6p21.33.
Variant type: single nucleotide variant.
Coding change: c.8064A>G on transcript NM_001365276.2 (MANE Select); coding-DNA position 8064, A replaced by G.
Protein change: p.Pro2688=; no amino-acid change (proline 2688 retained).
Molecular consequence: synonymous variant.
Genome position (GRCh38, 1-based): chr6:32,056,665, T>C on the plus strand (A>G on the coding strand, the complement: TNXB is on the minus strand). VCF-style: chr6-32056665-T-C. GRCh37 (hg19) VCF-style: chr6-32024442-T-C.
Other names: p.Pro2688=; c.8805A>G, p.Pro2935= (NM_001428335.1); c.8064A>G, p.Pro2688= (NM_019105.8).
Identifiers: ClinVar variation 4684957 (VCV004684957.1).